The following is an entry in ClinVar:

NM_014363.6(SACS):c.622_640del (p.Ser208fs)

Gene: SACS (sacsin molecular chaperone; minus strand). Cytogenetic location: 13q12.12.
Variant type: Deletion.
Coding change: c.622_640del on transcript NM_014363.6 (MANE Select); coding-DNA positions 622 to 640, 19 bases deleted (AGTGGTGACCAAATCGGGA).
Protein change: p.Ser208fs; shifts the reading frame from serine 208.
Molecular consequence: frameshift variant.
Genome position (GRCh38, 1-based): chr13:23,355,972-23,355,990, TCCCGATTTGGTCACCACT deleted on the plus strand (AGTGGTGACCAAATCGGGA on the coding strand, the reverse complement: SACS is on the minus strand). VCF-style (leftmost placement, unchanged base first): chr13-23355971-ATCCCGATTTGGTCACCACT-A. GRCh37 (hg19) VCF-style: chr13-23930110-ATCCCGATTTGGTCACCACT-A.
Other names: c.181_199del, p.Ser61fs (NM_001278055.2); short protein forms S208fs, S61fs.
Identifiers: ClinVar variation 1725897 (VCV001725897.2), dbSNP rs2542404536, ClinGen allele CA2580086875.

ClinVar aggregate classification (germline): Likely pathogenic (1 of 4 stars; one submission).

Conditions:
Charlevoix-Saguenay spastic ataxia (SACS). Also called: SPASTIC ATAXIA 6, AUTOSOMAL RECESSIVE; AUTOSOMAL RECESSIVE SPASTIC ATAXIA OF CHARLEVOIX-SAGUENAY; Spastic ataxia of Charlevoix-Saguenay. Identifiers: Orphanet 98, MedGen C1849140, MONDO:0010041, OMIM 270550.

Submission:

Myriad Genetics, Inc.
Classification: Likely pathogenic for Charlevoix-Saguenay spastic ataxia. Last evaluated: 2022-04-10. Review status: criteria provided, single submitter. Criteria: Myriad Women's Health Autosomal Recessive and X-Linked Classification Criteria (2021). Collection method: clinical testing. Allele origin: unknown.
Comment: NM_014363.4(SACS):c.622_640del19(S208Cfs*2) is expected to be pathogenic in the context of autosomal recessive spastic ataxia of Charlevoix-Saguenay. This variant is predicted to lead to an abnormal or absent protein product due to the creation of a premature termination codon in SACS, a gene where loss-of-function variants are known to be pathogenic. Please note: this variant was assessed in the context of healthy population screening.